The following is an entry in ClinVar:

NM_017763.6(RNF43):c.210T>C (p.Ala70=)

Gene: RNF43 (ring finger protein 43; minus strand). Cytogenetic location: 17q22.
Variant type: single nucleotide variant.
Coding change: c.210T>C on transcript NM_017763.6 (MANE Select); coding-DNA position 210, T replaced by C.
Protein change: p.Ala70=; no amino-acid change (alanine 70 retained).
Molecular consequence: synonymous variant. On other transcripts: intron variant (1).
Genome position (GRCh38, 1-based): chr17:58,415,368, A>G on the plus strand (T>C on the coding strand, the complement: RNF43 is on the minus strand). VCF-style: chr17-58415368-A-G. GRCh37 (hg19) VCF-style: chr17-56492729-A-G.
Other names: c.210T>C, p.Ala70= (NM_001305544.3, NM_001438820.1, NM_001438821.1 and 1 more transcripts); c.-130+1649T>C (NM_001437987.1).
Identifiers: ClinVar variation 4844759 (VCV004844759.2).
Genomic context (GRCh38, chr17:58,415,368, plus strand): 5'-TAATAAAGTTATACTTGCCTGCATTAATTTTCCTTCTGCTGGAGTTATTTCAGCAACACC[A>G]GCAAACACACCTTCCAAAGTGAGATTCAGTTTTCCTGTGGGGTCCATTTTCAAGGGGATC-3'
Protein context (NP_060233.3, residues 60-80): KLNLTLEGVF[Ala70=]GVAEITPAEG

ClinVar aggregate classification (germline): Benign/Likely benign. Review status: criteria provided, multiple submitters, no conflicts (2 of 4 stars). 2 submissions from 2 submitters: Benign (1); Likely benign (1). Last evaluated 2026-06-29.

Conditions:
Sessile serrated polyposis cancer syndrome (SSPCS). Identifiers: Orphanet 157798, MedGen C4310714, MONDO:0014919, OMIM 617108.

gnomAD v4.1: 1 of 1,614,250 alleles (0.000062%); highest among the groups gnomAD compares: African/African-American, 0.0013%; no homozygotes.

Submissions (2):

Myriad Genetics, Inc.
Classification: Benign for Sessile serrated polyposis cancer syndrome. Last evaluated: 2026-06-29. Review status: criteria provided, single submitter. Criteria: Myriad Autosomal Dominant, Autosomal Recessive and X-Linked Classification Criteria (2023). Collection method: clinical testing. Allele origin: unknown.
Comment: This variant is considered benign. This variant is a silent/synonymous amino acid change and it is not expected to impact splicing.

Ambry Genetics
Classification: Likely benign. Last evaluated: 2026-01-16. Review status: criteria provided, single submitter. Criteria: Ambry Variant Classification Scheme 2023. Collection method: clinical testing. Allele origin: germline.